The following is an entry in ClinVar:

ClinVar aggregate classification (germline): Uncertain significance (1 of 4 stars; one submission).

Allele frequency attached by ClinVar (database versions not stated): gnomAD exomes below 0.00001; ExAC 0.00001; TOPMed 0.00002; ESP Exome Variant Server 0.00008.
gnomAD v4.1: 3 of 1,614,080 alleles (0.00019%); highest among the groups gnomAD compares: Middle Eastern, 0.016%; no homozygotes.

Submission:

Labcorp Genetics (formerly Invitae), Labcorp
Classification: Uncertain significance. Last evaluated: 2025-08-24. Review status: criteria provided, single submitter. Criteria: Invitae Variant Classification Sherloc (09022015). Collection method: clinical testing. Allele origin: germline.
Comment: This sequence change replaces leucine, which is neutral and non-polar, with proline, which is neutral and non-polar, at codon 466 of the P3H2 protein (p.Leu466Pro). This variant is not present in population databases (gnomAD no frequency). This variant has not been reported in the literature in individuals affected with P3H2-related conditions. ClinVar contains an entry for this variant (Variation ID: 1460975). Invitae Evidence Modeling of protein sequence and biophysical properties (such as structural, functional, and spatial information, amino acid conservation, physicochemical variation, residue mobility, and thermodynamic stability) indicates that this missense variant is expected to disrupt P3H2 protein function with a positive predictive value of 80%. In summary, the available evidence is currently insufficient to determine the role of this variant in disease. Therefore, it has been classified as a Variant of Uncertain Significance.

NM_018192.4(P3H2):c.1397T>C (p.Leu466Pro)

Gene: P3H2 (prolyl 3-hydroxylase 2; minus strand). Cytogenetic location: 3q28.
Variant type: single nucleotide variant.
Coding change: c.1397T>C on transcript NM_018192.4 (MANE Select); coding-DNA position 1397, T replaced by C.
Protein change: p.Leu466Pro; replaces leucine 466 with proline.
Molecular consequence: missense variant.
Genome position (GRCh38, 1-based): chr3:189,974,613, A>G on the plus strand (T>C on the coding strand, the complement: P3H2 is on the minus strand). VCF-style: chr3-189974613-A-G. GRCh37 (hg19) VCF-style: chr3-189692402-A-G.
Other names: c.854T>C, p.Leu285Pro (NM_001134418.2); short protein forms L285P, L466P.
Identifiers: ClinVar variation 1460975 (VCV001460975.8), dbSNP rs146852112, ClinGen allele CA2752947.